The following is an entry in ClinVar:

NM_182643.3(DLC1):c.3643G>A (p.Val1215Ile)

Gene: DLC1 (DLC1 Rho GTPase activating protein; minus strand). Cytogenetic location: 8p22.
Variant type: single nucleotide variant.
Coding change: c.3643G>A on transcript NM_182643.3 (MANE Select); coding-DNA position 3643, G replaced by A.
Protein change: p.Val1215Ile; replaces valine 1215 with isoleucine.
Molecular consequence: missense variant.
Genome position (GRCh38, 1-based): chr8:13,092,709, C>T on the plus strand (G>A on the coding strand, the complement: DLC1 is on the minus strand). VCF-style: chr8-13092709-C-T. GRCh37 (hg19) VCF-style: chr8-12950218-C-T.
Other names: c.2110G>A, p.Val704Ile (NM_001164271.2, NM_001348082.2, NM_001348083.1 and 6 more transcripts); c.2434G>A, p.Val812Ile (NM_001316668.2, NM_001413129.1); c.3643G>A, p.Val1215Ile (NM_001348081.2, NM_001413124.1); c.2425G>A, p.Val809Ile (NM_001413130.1); c.2083G>A, p.Val695Ile (NM_001413131.1, NM_001413137.1); c.2569G>A, p.Val857Ile (NM_001413132.1); c.2332G>A, p.Val778Ile (NM_001413135.1, NM_001413136.1, NM_001413139.1 and 1 more transcripts); c.2467G>A, p.Val823Ile (NM_001413140.1); short protein forms V812I, V857I, V823I, V1215I, V695I, V704I, V778I, V809I.
Identifiers: ClinVar variation 2363901 (VCV002363901.5), dbSNP rs370207065, ClinGen allele CA4638244.

ClinVar aggregate classification (germline): Uncertain significance. Review status: criteria provided, multiple submitters, no conflicts (2 of 4 stars). 2 submissions from 2 submitters: Uncertain significance (2). Last evaluated 2026-01-05.

Allele frequency attached by ClinVar (database versions not stated): ESP Exome Variant Server 0.00008; TOPMed 0.00008; gnomAD 0.00003; ExAC 0.00007.
gnomAD v4.1: 61 of 1,614,162 alleles (0.0038%); highest among the groups gnomAD compares: Admixed American, 0.03%; no homozygotes.

Submissions (2):

Labcorp Genetics (formerly Invitae), Labcorp
Classification: Uncertain significance. Last evaluated: 2026-01-05. Review status: criteria provided, single submitter. Criteria: Invitae Variant Classification Sherloc (09022015). Collection method: clinical testing. Allele origin: germline.
Comment: This sequence change replaces valine, which is neutral and non-polar, with isoleucine, which is neutral and non-polar, at codon 1215 of the DLC1 protein (p.Val1215Ile). This variant is present in population databases (rs370207065, gnomAD 0.04%). This variant has not been reported in the literature in individuals affected with DLC1-related conditions. ClinVar contains an entry for this variant (Variation ID: 2363901). An algorithm developed to predict the effect of missense changes on protein structure and function (PolyPhen-2) suggests that this variant is likely to be disruptive. In summary, the available evidence is currently insufficient to determine the role of this variant in disease. Therefore, it has been classified as a Variant of Uncertain Significance.

Ambry Genetics
Classification: Uncertain significance. Last evaluated: 2021-07-27. Review status: criteria provided, single submitter. Criteria: Ambry Variant Classification Scheme 2023. Collection method: clinical testing. Allele origin: germline.